The following is an entry in ClinVar:

ClinVar aggregate classification (germline): Pathogenic. Review status: criteria provided, single submitter (1 of 4 stars). 2 submissions from 2 submitters: Pathogenic (1). 1 of the submissions does not count toward it. Last evaluated 2023-02-09.

Conditions:
Pituitary hormone deficiency, combined, 1 (CPHD1). Also called: Pituitary hormone deficiency, combined or isolated, 1. Identifiers: MedGen C2751608, MONDO:0024464, OMIM 613038.

Allele frequency attached by ClinVar (database versions not stated): gnomAD exomes below 0.00001; ExAC 0.00001.
gnomAD v4.1: 7 of 1,613,996 alleles (0.00043%); highest among the groups gnomAD compares: South Asian, 0.0011%; no homozygotes.

Submissions (2):

Labcorp Genetics (formerly Invitae), Labcorp
Classification: Pathogenic. Last evaluated: 2023-02-09. Review status: criteria provided, single submitter. Criteria: Invitae Variant Classification Sherloc (09022015). Collection method: clinical testing. Allele origin: germline.
Comment: This variant is present in population databases (rs104893754, gnomAD 0.003%). For these reasons, this variant has been classified as Pathogenic. ClinVar contains an entry for this variant (Variation ID: 13602). This variant is also known as p.Arg198Ter. This premature translational stop signal has been observed in individual(s) with POU1F1-related conditions (PMID: 1302000, 9485179, 34006472). This sequence change creates a premature translational stop signal (p.Arg172*) in the POU1F1 gene. It is expected to result in an absent or disrupted protein product. Loss-of-function variants in POU1F1 are known to be pathogenic (PMID: 1472057, 9392392, 15844473, 15928241).

OMIM
Classification: Pathogenic for PITUITARY HORMONE DEFICIENCY, COMBINED, 1. Last evaluated: 1992-04-01. Review status: no assertion criteria provided. Collection method: literature only. Allele origin: germline. Not counted in ClinVar's aggregate classification.

Literature cited by the submitters: PubMed 1302000 (cited by Labcorp Genetics (formerly Invitae), Labcorp and OMIM); PubMed 9485179 (cited by Labcorp Genetics (formerly Invitae), Labcorp); PubMed 34006472 (cited by Labcorp Genetics (formerly Invitae), Labcorp); PubMed 1472057 (cited by Labcorp Genetics (formerly Invitae), Labcorp); PubMed 9392392 (cited by Labcorp Genetics (formerly Invitae), Labcorp); PubMed 15844473 (cited by Labcorp Genetics (formerly Invitae), Labcorp); PubMed 15928241 (cited by Labcorp Genetics (formerly Invitae), Labcorp).

NM_000306.4(POU1F1):c.514C>T (p.Arg172Ter)

Gene: POU1F1 (POU class 1 homeobox 1; minus strand). Cytogenetic location: 3p11.2.
Variant type: single nucleotide variant.
Coding change: c.514C>T on transcript NM_000306.4 (MANE Select); coding-DNA position 514, C replaced by T.
Protein change: p.Arg172Ter; replaces arginine 172 with a stop codon.
Molecular consequence: nonsense.
Genome position (GRCh38, 1-based): chr3:87,262,161, G>A on the plus strand (C>T on the coding strand, the complement: POU1F1 is on the minus strand). VCF-style: chr3-87262161-G-A. GRCh37 (hg19) VCF-style: chr3-87311311-G-A.
Other names: c.592C>T, p.Arg198Ter (NM_001122757.3); short protein forms R172*, R198*.
Identifiers: ClinVar variation 13602 (VCV000013602.4), dbSNP rs104893754, ClinGen allele CA250600.